The following is an entry in ClinVar:

ClinVar aggregate classification (germline): Uncertain significance (1 of 4 stars; one submission).

Conditions:
Hereditary cancer-predisposing syndrome. Also called: Tumor predisposition; Neoplastic Syndromes, Hereditary; Hereditary Cancer Syndrome; Hereditary neoplastic syndrome. Identifiers: Orphanet 140162, MedGen C0027672, MeSH D009386, MONDO:0015356.

Submission:

Ambry Genetics
Classification: Uncertain significance for Hereditary cancer-predisposing syndrome. Last evaluated: 2021-09-13. Review status: criteria provided, single submitter. Criteria: Ambry Variant Classification Scheme 2023. Collection method: clinical testing. Allele origin: germline.
Comment: The c.6818_6823delGGGCAA variant (also known as p.R2273_A2274del) is located in coding exon 46 of the ATM gene. This variant results from an in-frame GGGCAA deletion at nucleotide positions 6818 to 6823. This results in the in-frame deletion of codons 2273 and 2274. This amino acid region is well conserved in available vertebrate species. In addition, this alteration is predicted to be deleterious by in silico analysis (Choi Y et al. PLoS ONE. 2012; 7(10):e46688). Since supporting evidence is limited at this time, the clinical significance of this alteration remains unclear.

NM_000051.4(ATM):c.6818_6823del (p.Arg2273_Ala2274del)

Genes: ATM (ATM serine/threonine kinase; plus strand), C11orf65 (chromosome 11 open reading frame 65; minus strand). Cytogenetic location: 11q22.3.
Variant type: Deletion.
Coding change: c.6818_6823del on transcript NM_000051.4 (MANE Select); coding-DNA positions 6818 to 6823, 6 bases deleted (GGGCAA; older notation c.6818_6823delGGGCAA).
Protein change: p.Arg2273_Ala2274del.
Molecular consequence: inframe deletion. On other transcripts: intron variant (2).
Genome position (GRCh38, 1-based): chr11:108,326,068-108,326,073, GGGCAA deleted; deleting any 6 consecutive bases within chr11:108,326,066-108,326,073 gives the same sequence; the c. name uses the placement nearest the transcript's 3' end. VCF-style (leftmost placement, unchanged base first): chr11-108326065-AAAGGGC-A. GRCh37 (hg19) VCF-style: chr11-108196792-AAAGGGC-A.
Other names: c.6818_6823del, p.Arg2273_Ala2274del (NM_001351834.2); c.641-17000_641-16995del (NM_001330368.2); c.*38+9149_*38+9154del (NM_001351110.2).
Identifiers: ClinVar variation 826640 (VCV000826640.6), dbSNP rs1591133168, ClinGen allele CA915947669.